The following is an entry in ClinVar:

NM_000135.4(FANCA):c.3809C>T (p.Ser1270Leu)

Genes: FANCA (FA complementation group A; minus strand), ZNF276 (zinc finger protein 276; plus strand). Cytogenetic location: 16q24.3.
Variant type: single nucleotide variant.
Coding change: c.3809C>T on transcript NM_000135.4 (MANE Select); coding-DNA position 3809, C replaced by T.
Protein change: p.Ser1270Leu; replaces serine 1270 with leucine.
Molecular consequence: missense variant. On other transcripts: 3 prime UTR variant (2), non-coding transcript variant (4).
Genome position (GRCh38, 1-based): chr16:89,740,823, G>A on the plus strand (C>T on the coding strand, the complement: FANCA is on the minus strand). VCF-style: chr16-89740823-G-A. GRCh37 (hg19) VCF-style: chr16-89807231-G-A.
Other names: c.3809C>T, p.Ser1270Leu (NM_001286167.3); c.*2577G>A (NM_001113525.2, NM_152287.4); short protein forms S1270L.
Identifiers: ClinVar variation 1210406 (VCV001210406.8), dbSNP rs752800577, ClinGen allele CA8250956.

ClinVar aggregate classification (germline): Uncertain significance. Review status: criteria provided, multiple submitters, no conflicts (2 of 4 stars). 2 submissions from 2 submitters: Uncertain significance (2). Last evaluated 2022-08-15.

Conditions:
Fanconi anemia (FA). Also called: Fanconi's anemia. Identifiers: Orphanet 84, MedGen C0015625, MeSH D005199, MONDO:0019391.
Fanconi anemia complementation group A (FANCA). Also called: Fanconi anemia, group A; FANCA-Related Fanconi Anemia. Identifiers: Orphanet 84, MedGen C3469521, MONDO:0009215, OMIM 227650.

Allele frequency attached by ClinVar (database versions not stated): gnomAD exomes below 0.00001; gnomAD 0.00001; TOPMed 0.00002.
gnomAD v4.1: 9 of 1,613,518 alleles (0.00056%); highest among the groups gnomAD compares: Middle Eastern, 0.016%; no homozygotes.

Submissions (2):

Labcorp Genetics (formerly Invitae), Labcorp
Classification: Uncertain significance for Fanconi anemia. Last evaluated: 2022-08-15. Review status: criteria provided, single submitter. Criteria: Invitae Variant Classification Sherloc (09022015). Collection method: clinical testing. Allele origin: germline.
Comment: This sequence change replaces serine, which is neutral and polar, with leucine, which is neutral and non-polar, at codon 1270 of the FANCA protein (p.Ser1270Leu). The frequency data for this variant in the population databases is considered unreliable, as metrics indicate poor data quality at this position in the gnomAD database. This variant has not been reported in the literature in individuals affected with FANCA-related conditions. ClinVar contains an entry for this variant (Variation ID: 1210406). Algorithms developed to predict the effect of missense changes on protein structure and function are either unavailable or do not agree on the potential impact of this missense change (SIFT: "Deleterious"; PolyPhen-2: "Possibly Damaging"; Align-GVGD: "Class C0"). In summary, the available evidence is currently insufficient to determine the role of this variant in disease. Therefore, it has been classified as a Variant of Uncertain Significance.

Genome-Nilou Lab
Classification: Uncertain significance for Fanconi anemia complementation group A. Last evaluated: 2021-07-22. Review status: criteria provided, single submitter. Criteria: ACMG Guidelines, 2015. Collection method: clinical testing. Allele origin: germline. Affected: no.